The following is an entry in ClinVar:

NM_001105206.3(LAMA4):c.616A>G (p.Thr206Ala)

Gene: LAMA4 (laminin subunit alpha 4; minus strand). Cytogenetic location: 6q21.
Variant type: single nucleotide variant.
Coding change: c.616A>G on transcript NM_001105206.3 (MANE Select); coding-DNA position 616, A replaced by G.
Protein change: p.Thr206Ala; replaces threonine 206 with alanine.
Molecular consequence: missense variant.
Genome position (GRCh38, 1-based): chr6:112,191,738, T>C on the plus strand (A>G on the coding strand, the complement: LAMA4 is on the minus strand). VCF-style: chr6-112191738-T-C. GRCh37 (hg19) VCF-style: chr6-112512940-T-C.
Other names: c.616A>G, p.Thr206Ala (NM_001105207.3, NM_002290.5); short protein forms T206A.
Identifiers: ClinVar variation 4082913 (VCV004082913.1).

ClinVar aggregate classification (germline): Uncertain significance (1 of 4 stars; one submission).

Submission:

GeneDx
Classification: Uncertain significance. Last evaluated: 2025-03-03. Review status: criteria provided, single submitter. Criteria: GeneDx Variant Classification Process June 2021. Collection method: clinical testing. Allele origin: germline. Affected: yes.
Comment: Not observed at significant frequency in large population cohorts (gnomAD); In silico analysis supports that this missense variant has a deleterious effect on protein structure/function; Has not been previously published as pathogenic or benign to our knowledge